The following is an entry in ClinVar:

NM_000138.5(FBN1):c.826G>A (p.Gly276Arg)

Gene: FBN1 (fibrillin 1; minus strand). Cytogenetic location: 15q21.1.
Variant type: single nucleotide variant.
Coding change: c.826G>A on transcript NM_000138.5 (MANE Select); coding-DNA position 826, G replaced by A.
Protein change: p.Gly276Arg; replaces glycine 276 with arginine.
Molecular consequence: missense variant.
Genome position (GRCh38, 1-based): chr15:48,534,116, C>T on the plus strand (G>A on the coding strand, the complement: FBN1 is on the minus strand). VCF-style: chr15-48534116-C-T. GRCh37 (hg19) VCF-style: chr15-48826313-C-T.
Other names: short protein forms G276R.
Identifiers: ClinVar variation 457270 (VCV000457270.12), dbSNP rs1220647446, ClinGen allele CA392352423.

ClinVar aggregate classification (germline): Uncertain significance. Review status: criteria provided, multiple submitters, no conflicts (2 of 4 stars). 3 submissions from 3 submitters: Uncertain significance (3). Last evaluated 2025-12-09.

Conditions:
Weill-Marchesani syndrome 2, dominant. Also called: FBN1-Related Weill-Marchesani Syndrome; Weill-Marchesani Syndrome, Autosomal Dominant. Identifiers: Orphanet 2084, MedGen C1869115, MONDO:0012013, OMIM 608328.
Ectopia lentis 1, isolated, autosomal dominant (ECTOL1). Identifiers: Orphanet 1885, MedGen C3541518, MONDO:0007514, OMIM 129600.
Marfan syndrome (MFS). Also called: MARFAN SYNDROME, TYPE I; FBN1-Related Marfan Syndrome; Marfan syndrome type 1; Marfan's syndrome; Marfan syndrome, classic. Identifiers: Orphanet 284963, Orphanet 558, MedGen C0024796, MONDO:0007947, OMIM 154700.
Stiff skin syndrome (SSKS). Identifiers: Orphanet 2833, MedGen C1861456, MONDO:0008492, OMIM 184900.
Acromicric dysplasia (ACMICD). Also called: Acromicric skeletal dysplasia. Identifiers: Orphanet 969, MedGen C0265287, MONDO:0007055, OMIM 102370.
Progeroid and marfanoid aspect-lipodystrophy syndrome. Also called: MARFANOID-PROGEROID SYNDROME; MARFAN-PROGEROID-LIPODYSTROPHY SYNDROME; Marfan lipodystrophy syndrome; MARFANOID-PROGEROID-LIPODYSTROPHY SYNDROME. Identifiers: Orphanet 300382, MedGen C4310796, MONDO:0014831, OMIM 616914.
MASS syndrome (OCTD). Also called: MASS PHENOTYPE; OVERLAP CONNECTIVE TISSUE DISEASE. Identifiers: MedGen C1858556, MONDO:0011431, OMIM 604308.
Geleophysic dysplasia 2 (GPHYSD2). Identifiers: Orphanet 2623, MedGen C3280054, MONDO:0013612, OMIM 614185.
Familial thoracic aortic aneurysm and aortic dissection (TAAD). Also called: Thoracic aortic aneurysms and dissections. Identifiers: Orphanet 91387, MedGen C4707243, MONDO:0019625.

Allele frequency attached by ClinVar (database versions not stated): TOPMed 0.00001; gnomAD exomes 0.00001; gnomAD 0.00001.
gnomAD v4.1: 16 of 1,613,112 alleles (0.00099%); highest among the groups gnomAD compares: Non-Finnish European, 0.0013%; no homozygotes.

Submissions (3):

Labcorp Genetics (formerly Invitae), Labcorp
Classification: Uncertain significance for Marfan syndrome; Familial thoracic aortic aneurysm and aortic dissection. Last evaluated: 2025-12-09. Review status: criteria provided, single submitter. Criteria: Invitae Variant Classification Sherloc (09022015). Collection method: clinical testing. Allele origin: germline.
Comment: This sequence change replaces glycine, which is neutral and non-polar, with arginine, which is basic and polar, at codon 276 of the FBN1 protein (p.Gly276Arg). This variant is not present in population databases (gnomAD no frequency). This variant has not been reported in the literature in individuals affected with FBN1-related conditions. ClinVar contains an entry for this variant (Variation ID: 457270). Invitae Evidence Modeling of protein sequence and biophysical properties (such as structural, functional, and spatial information, amino acid conservation, physicochemical variation, residue mobility, and thermodynamic stability) indicates that this missense variant is expected to disrupt FBN1 protein function with a positive predictive value of 95%. In summary, the available evidence is currently insufficient to determine the role of this variant in disease. Therefore, it has been classified as a Variant of Uncertain Significance.

All of Us Research Program, National Institutes of Health
Classification: Uncertain significance for Marfan syndrome. Last evaluated: 2024-03-24. Review status: criteria provided, single submitter. Criteria: ACMG Guidelines, 2015. Collection method: clinical testing. Allele origin: germline. Inheritance: Autosomal dominant inheritance. Observed: 2 variant alleles, 2 heterozygotes.
Comment: This missense variant replaces glycine with arginine at codon 276 of the FBN1 protein. Computational prediction suggests that this variant may have deleterious impact on protein structure and function (internally defined REVEL score threshold >= 0.7, PMID: 27666373). To our knowledge, functional studies have not been reported for this variant. This variant has not been reported in individuals affected with FBN1-related disorders in the literature. This variant has not been identified in the general population by the Genome Aggregation Database (gnomAD). The available evidence is insufficient to determine the role of this variant in disease conclusively. Therefore, this variant is classified as a Variant of Uncertain Significance.

This study involves interpretation of variants in research participants for the purpose of population health screening. Participant phenotype was not available at the time of variant classification. Additional details can be found in publication PMID: 35346344, PMCID: PMC8962531

Fulgent Genetics
Classification: Uncertain significance for Acromicric dysplasia; Ectopia lentis 1, isolated, autosomal dominant; Marfan syndrome; Stiff skin syndrome; MASS syndrome; Weill-Marchesani syndrome 2, dominant; Geleophysic dysplasia 2; Progeroid and marfanoid aspect-lipodystrophy syndrome. Last evaluated: 2021-10-06. Review status: criteria provided, single submitter. Criteria: ACMG Guidelines, 2015. Collection method: clinical testing. Allele origin: unknown.